The following is an entry in ClinVar:

ClinVar aggregate classification (germline): Uncertain significance (1 of 4 stars; one submission).

Conditions:
TAF15-related disorder. Also called: TAF15-related condition.

Submission:

PreventionGenetics, part of Exact Sciences
Classification: Uncertain significance for TAF15-related condition. Last evaluated: 2023-08-24. Review status: criteria provided, single submitter. Criteria: ACMG Guidelines, 2015. Collection method: clinical testing. Allele origin: germline.
Comment: The TAF15 c.1667G>A variant is predicted to result in the amino acid substitution p.Gly556Asp. To our knowledge, this variant has not been reported in the literature or in a large population database, indicating this variant is rare. At this time, the clinical significance of this variant is uncertain due to the absence of conclusive functional and genetic evidence.

NM_139215.3(TAF15):c.1667G>A (p.Gly556Asp)

Gene: TAF15 (TATA-box binding protein associated factor 15; plus strand). Cytogenetic location: 17q12.
Variant type: single nucleotide variant.
Coding change: c.1667G>A on transcript NM_139215.3 (MANE Select); coding-DNA position 1667, G replaced by A.
Protein change: p.Gly556Asp; replaces glycine 556 with aspartic acid.
Molecular consequence: missense variant.
Genome position (GRCh38, 1-based): chr17:35,844,966, G>A. VCF-style: chr17-35844966-G-A. GRCh37 (hg19) VCF-style: chr17-34171970-G-A.
Other names: c.1658G>A, p.Gly553Asp (NM_003487.4); short protein forms G553D, G556D.
Identifiers: ClinVar variation 2631034 (VCV002631034.1), dbSNP rs2544170467, ClinGen allele CA399224519.